The following is an entry in ClinVar:

NM_005732.4(RAD50):c.1648G>C (p.Glu550Gln)

Gene: RAD50 (RAD50 double strand break repair protein; plus strand). Cytogenetic location: 5q31.1.
Variant type: single nucleotide variant.
Coding change: c.1648G>C on transcript NM_005732.4 (MANE Select); coding-DNA position 1648, G replaced by C.
Protein change: p.Glu550Gln; replaces glutamic acid 550 with glutamine.
Molecular consequence: missense variant.
Genome position (GRCh38, 1-based): chr5:132,591,889, G>C. VCF-style: chr5-132591889-G-C. GRCh37 (hg19) VCF-style: chr5-131927581-G-C.
Other names: short protein forms E550Q.
Identifiers: ClinVar variation 187751 (VCV000187751.15), dbSNP rs786203972, ClinGen allele CA198475.

ClinVar aggregate classification (germline): Uncertain significance. Review status: criteria provided, multiple submitters, no conflicts (2 of 4 stars). 2 submissions from 2 submitters: Uncertain significance (2). Last evaluated 2019-02-12.

Conditions:
Hereditary cancer-predisposing syndrome. Also called: Neoplastic Syndromes, Hereditary; Tumor predisposition; Hereditary Cancer Syndrome; Hereditary neoplastic syndrome. Identifiers: Orphanet 140162, MedGen C0027672, MeSH D009386, MONDO:0015356.

Submissions (2):

Labcorp Genetics (formerly Invitae), Labcorp
Classification: Uncertain significance for Hereditary cancer-predisposing syndrome. Last evaluated: 2019-02-12. Review status: criteria provided, single submitter. Criteria: Invitae Variant Classification Sherloc (09022015). Collection method: clinical testing. Allele origin: germline.
Comment: In summary, the available evidence is currently insufficient to determine the role of this variant in disease. Therefore, it has been classified as a Variant of Uncertain Significance. Algorithms developed to predict the effect of missense changes on protein structure and function are either unavailable or do not agree on the potential impact of this missense change (SIFT: "Tolerated"; PolyPhen-2: "Possibly Damaging"; Align-GVGD: "Class C0"). This variant has not been reported in the literature in individuals with RAD50-related conditions. ClinVar contains an entry for this variant (Variation ID: 187751). This variant is not present in population databases (ExAC no frequency). This sequence change replaces glutamic acid with glutamine at codon 550 of the RAD50 protein (p.Glu550Gln). The glutamic acid residue is moderately conserved and there is a small physicochemical difference between glutamic acid and glutamine.

Ambry Genetics
Classification: Uncertain significance for Hereditary cancer-predisposing syndrome. Last evaluated: 2014-12-31. Review status: criteria provided, single submitter. Criteria: Ambry Variant Classification Scheme 2023. Collection method: clinical testing. Allele origin: germline.
Comment: The p.E550Q variant (also known as c.1648G>C), located in coding exon 11 of the RAD50 gene, results from a G to C substitution at nucleotide position 1648. The glutamic acid at codon 550 is replaced by glutamine, an amino acid with highly similar properties. This amino acid position is well conserved in available vertebrate species. In addition, this alteration is predicted to be tolerated by in silico analysis. Since supporting evidence is limited at this time, the clinical significance of p.E550Q remains unclear.